The following is an entry in ClinVar:

NM_001364905.1(LRBA):c.6554G>A (p.Arg2185His)

Gene: LRBA (LPS responsive beige-like anchor protein; minus strand). Cytogenetic location: 4q31.3.
Variant type: single nucleotide variant.
Coding change: c.6554G>A on transcript NM_001364905.1 (MANE Select); coding-DNA position 6554, G replaced by A.
Protein change: p.Arg2185His; replaces arginine 2185 with histidine.
Molecular consequence: missense variant.
Genome position (GRCh38, 1-based): chr4:150,471,737, C>T on the plus strand (G>A on the coding strand, the complement: LRBA is on the minus strand). VCF-style: chr4-150471737-C-T. GRCh37 (hg19) VCF-style: chr4-151392889-C-T.
Other names: c.6554G>A, p.Arg2185His (NM_001199282.3, NM_001367550.1); c.6587G>A, p.Arg2196His (NM_006726.5); short protein forms R2185H, R2196H.
Identifiers: ClinVar variation 951214 (VCV000951214.6), dbSNP rs760622773, ClinGen allele CA3101871.
Genomic context (GRCh38, chr4:150,471,737, plus strand): 5'-TGCCATCGCTGGGTCATATTAGAAGCCTTAAAAAGCTGACGTGGACTAGCTAATGAAATA[C>T]GTCTGCAAGAAAAAGAATTCAATGTGATATGATTAATTATATCACAATAATAAATCATGA-3'
Protein context (NP_001351834.1, residues 2175-2195): GTSFGLPQTR[Arg2185His]ISLASPRQLF

ClinVar aggregate classification (germline): Uncertain significance. Review status: criteria provided, multiple submitters, no conflicts (2 of 4 stars). 2 submissions from 2 submitters: Uncertain significance (2). Last evaluated 2025-05-12.

Conditions:
Inborn genetic diseases. Identifiers: MedGen C0950123, MeSH D030342.
Combined immunodeficiency due to LRBA deficiency. Also called: Common variable immunodeficiency 8, with autoimmunity. Identifiers: Orphanet 445018, MedGen C3553512, MONDO:0013863, OMIM 614700.

Allele frequency attached by ClinVar (database versions not stated): gnomAD 0.00001; TOPMed 0.00001; ExAC 0.00006; gnomAD exomes 0.00006.
gnomAD v4.1: 60 of 1,432,054 alleles (0.0042%); highest among the groups gnomAD compares: South Asian, 0.056%; 1 homozygote.

Submissions (2):

Labcorp Genetics (formerly Invitae), Labcorp
Classification: Uncertain significance for Combined immunodeficiency due to LRBA deficiency. Last evaluated: 2025-05-12. Review status: criteria provided, single submitter. Criteria: Invitae Variant Classification Sherloc (09022015). Collection method: clinical testing. Allele origin: germline.
Comment: This sequence change replaces arginine, which is basic and polar, with histidine, which is basic and polar, at codon 2196 of the LRBA protein (p.Arg2196His). This variant is present in population databases (rs760622773, gnomAD 0.05%). This variant has not been reported in the literature in individuals affected with LRBA-related conditions. ClinVar contains an entry for this variant (Variation ID: 951214). An algorithm developed to predict the effect of missense changes on protein structure and function (PolyPhen-2) suggests that this variant is likely to be disruptive. In summary, the available evidence is currently insufficient to determine the role of this variant in disease. Therefore, it has been classified as a Variant of Uncertain Significance.

Ambry Genetics
Classification: Uncertain significance for Inborn genetic diseases. Last evaluated: 2022-03-30. Review status: criteria provided, single submitter. Criteria: Ambry Variant Classification Scheme 2023. Collection method: clinical testing. Allele origin: germline.